The following is an entry in ClinVar:

ClinVar aggregate classification (germline): Uncertain significance (1 of 4 stars; one submission).

gnomAD v4.1: 2 of 1,613,468 alleles (0.00012%); highest among the groups gnomAD compares: Admixed American, 0.0017%; no homozygotes.

Submission:

Labcorp Genetics (formerly Invitae), Labcorp
Classification: Uncertain significance. Last evaluated: 2025-08-11. Review status: criteria provided, single submitter. Criteria: Invitae Variant Classification Sherloc (09022015). Collection method: clinical testing. Allele origin: germline.
Comment: This sequence change replaces alanine, which is neutral and non-polar, with serine, which is neutral and polar, at codon 478 of the PDE6B protein (p.Ala478Ser). This variant is not present in population databases (gnomAD no frequency). This variant has not been reported in the literature in individuals affected with PDE6B-related conditions. Invitae Evidence Modeling of protein sequence and biophysical properties (such as structural, functional, and spatial information, amino acid conservation, physicochemical variation, residue mobility, and thermodynamic stability) has been performed for this missense variant. However, the output from this modeling did not meet the statistical confidence thresholds required to predict the impact of this variant on PDE6B protein function. In summary, the available evidence is currently insufficient to determine the role of this variant in disease. Therefore, it has been classified as a Variant of Uncertain Significance.

NM_000283.4(PDE6B):c.1432G>T (p.Ala478Ser)

Gene: PDE6B (phosphodiesterase 6B; plus strand). Cytogenetic location: 4p16.3.
Variant type: single nucleotide variant.
Coding change: c.1432G>T on transcript NM_000283.4 (MANE Select); coding-DNA position 1432, G replaced by T.
Protein change: p.Ala478Ser; replaces alanine 478 with serine.
Molecular consequence: missense variant.
Genome position (GRCh38, 1-based): chr4:658,982, G>T. VCF-style: chr4-658982-G-T. GRCh37 (hg19) VCF-style: chr4-652771-G-T.
Other names: c.1432G>T, p.Ala478Ser (NM_001145291.2, NM_001440547.1, NM_001440548.1); c.595G>T, p.Ala199Ser (NM_001145292.2, NM_001350154.3, NM_001379246.1 and 1 more transcripts); c.277G>T, p.Ala93Ser (NM_001350155.3); short protein forms A199S, A93S, A478S.
Identifiers: ClinVar variation 4699288 (VCV004699288.1).